The following is an entry in ClinVar:

NM_003494.3(DYSF):c.1399dupG

Gene: DYSF (dysferlin; plus strand). Cytogenetic location: 2p13.2.
Variant type: Duplication.
Coding change: c.1399dupG on transcript NM_003494.3; coding-DNA position 1399, one base duplicated (G).
Genome position (GRCh38, 1-based): chr2:71,539,158, G duplicated; the last of 3 consecutive G bases (chr2:71,539,156-71,539,158); duplicating any one gives the same sequence. VCF-style (leftmost placement, unchanged base first): chr2-71539155-A-AG. GRCh37 (hg19) VCF-style: chr2-71766285-A-AG.
Identifiers: ClinVar variation 4815125 (VCV004815125.1).

ClinVar aggregate classification (germline): Likely pathogenic (1 of 4 stars; one submission).

Conditions:
Autosomal recessive limb-girdle muscular dystrophy type 2B (LGMDR2). Also called: MUSCULAR DYSTROPHY, LIMB-GIRDLE, TYPE 3; Limb-girdle muscular dystrophy, type 2B; MUSCULAR DYSTROPHY, LIMB-GIRDLE, AUTOSOMAL RECESSIVE 2; Limb-Girdle Muscular Dystrophy Type 2B (LGMD2B). Identifiers: Orphanet 268, MedGen C1850889, MONDO:0009676, OMIM 253601.

Submission:

Natera, Inc.
Classification: Likely pathogenic for Limb-girdle muscular dystrophy type 2B. Last evaluated: 2025-03-16. Review status: criteria provided, single submitter. Criteria: Natera Variant Classification Schema (03/2026). Collection method: clinical testing. Allele origin: germline.
Comment: The c.1399dupG variant in DYSF is a frameshift variant predicted to shift the reading frame beginning at codon 467 and leads to a stop codon 7 codons downstream. This variant is expected to result in nonsense mediated decay, truncation, or a dysfunctional protein product. This variant is rare in the general population with a frequency below the threshold expected for the associated phenotype(s). Given the available evidence, this variant is classified as Likely Pathogenic.